The following is an entry in ClinVar:

NM_015192.4(PLCB1):c.3094C>T (p.Arg1032Ter)

Gene: PLCB1 (phospholipase C beta 1; plus strand). Cytogenetic location: 20p12.3.
Variant type: single nucleotide variant.
Coding change: c.3094C>T on transcript NM_015192.4 (MANE Select); coding-DNA position 3094, C replaced by T.
Protein change: p.Arg1032Ter; replaces arginine 1032 with a stop codon.
Molecular consequence: nonsense.
Genome position (GRCh38, 1-based): chr20:8,774,702, C>T. VCF-style: chr20-8774702-C-T. GRCh37 (hg19) VCF-style: chr20-8755349-C-T.
Other names: c.3094C>T, p.Arg1032Ter (NM_182734.3); short protein forms R1032*.
Identifiers: ClinVar variation 2907828 (VCV002907828.3), dbSNP rs2515347436, ClinGen allele CA408209375.
Genomic context (GRCh38, chr20:8,774,702, plus strand): 5'-CAACAGCAGCAGCTGCTTAATCTTCGGCAAGAACAGTATTATAGTGAAAAATACCAGAAG[C>T]GAGAACATATTAAACTGGTGAGCCTGAGAAACATGATTTATGTTTGTGCAACTGGAACTC-3'

ClinVar aggregate classification (germline): Pathogenic (1 of 4 stars; one submission).

Conditions:
Developmental and epileptic encephalopathy, 12 (DEE12). Identifiers: MedGen C3150988, MONDO:0013389, OMIM 613722.

Submission:

Labcorp Genetics (formerly Invitae), Labcorp
Classification: Pathogenic for Developmental and epileptic encephalopathy, 12. Last evaluated: 2023-12-21. Review status: criteria provided, single submitter. Criteria: Invitae Variant Classification Sherloc (09022015). Collection method: clinical testing. Allele origin: germline.
Comment: This sequence change creates a premature translational stop signal (p.Arg1032*) in the PLCB1 gene. It is expected to result in an absent or disrupted protein product. Loss-of-function variants in PLCB1 are known to be pathogenic (PMID: 24684524). This variant is not present in population databases (gnomAD no frequency). This variant has not been reported in the literature in individuals affected with PLCB1-related conditions. For these reasons, this variant has been classified as Pathogenic.

Literature cited by the submitters: PubMed 24684524.